The following is an entry in ClinVar:

NM_014797.3(ZBTB24):c.213A>G (p.Glu71=)

Gene: ZBTB24 (zinc finger and BTB domain containing 24; minus strand). Cytogenetic location: 6q21.
Variant type: single nucleotide variant.
Coding change: c.213A>G on transcript NM_014797.3 (MANE Select); coding-DNA position 213, A replaced by G.
Protein change: p.Glu71=; no amino-acid change (glutamic acid 71 retained).
Molecular consequence: synonymous variant.
Genome position (GRCh38, 1-based): chr6:109,481,814, T>C on the plus strand (A>G on the coding strand, the complement: ZBTB24 is on the minus strand). VCF-style: chr6-109481814-T-C. GRCh37 (hg19) VCF-style: chr6-109803017-T-C.
Other names: c.213A>G, p.Glu71= (NM_001164313.2).
Identifiers: ClinVar variation 3026130 (VCV003026130.22), dbSNP rs1236289479, ClinGen allele CA451913430.

ClinVar aggregate classification (germline): Likely benign (1 of 4 stars; one submission).

gnomAD v4.1: 11 of 1,614,118 alleles (0.00068%); highest among the groups gnomAD compares: African/African-American, 0.0013%; no homozygotes.

Submission:

CeGaT Center for Human Genetics Tuebingen
Classification: Likely benign. Last evaluated: 2024-02-01. Review status: criteria provided, single submitter. Criteria: CeGaT Center For Human Genetics Tuebingen Variant Classification Criteria Version 2. Collection method: clinical testing. Allele origin: germline. Affected: yes. Observed: 1 variant allele.
Comment: ZBTB24: BP4, BP7